The following is an entry in ClinVar:

ClinVar aggregate classification (germline): Uncertain significance. Review status: criteria provided, multiple submitters, no conflicts (2 of 4 stars). 3 submissions from 3 submitters: Uncertain significance (3). Last evaluated 2025-09-25.

Conditions:
ERCC4-related disorder. Also called: ERCC4-related condition.
Cockayne syndrome. Identifiers: Orphanet 191, MedGen C0009207, MONDO:0016006.
Fanconi anemia complementation group Q. Identifiers: Orphanet 84, MedGen C3808988, MONDO:0014108, OMIM 615272.
Xeroderma pigmentosum, group F (XPF). Also called: XERODERMA PIGMENTOSUM, COMPLEMENTATION GROUP F; XERODERMA PIGMENTOSUM VI; XP, GROUP F; XERODERMA PIGMENTOSUM, TYPE F; Xeroderma pigmentosum, type 6; ERCC4-Related Xeroderma Pigmentosum. Identifiers: MedGen C0268140, MONDO:0010215, OMIM 278760.
Inborn genetic diseases. Identifiers: MedGen C0950123, MeSH D030342.

Allele frequency attached by ClinVar (database versions not stated): ExAC 0.00001; gnomAD 0.00001; TOPMed 0.00001; 1000 Genomes Project 30x 0.00016; 1000 Genomes Project 0.00020.
gnomAD v4.1: 2 of 1,611,712 alleles (0.00012%); highest among the groups gnomAD compares: African/African-American, 0.0013%; no homozygotes.

Submissions (3):

PreventionGenetics, part of Exact Sciences
Classification: Uncertain significance for ERCC4-related condition. Last evaluated: 2025-09-25. Review status: criteria provided, single submitter. Criteria: ACMG Guidelines, 2015. Collection method: clinical testing. Allele origin: germline.
Comment: The ERCC4 c.2000C>A variant is predicted to result in the amino acid substitution p.Thr667Asn. To our knowledge, this variant has not been reported in the literature. This variant is reported in 0.011% of alleles in individuals of African descent in gnomAD. At this time, the clinical significance of this variant is uncertain due to the absence of conclusive functional and genetic evidence.

Ambry Genetics
Classification: Uncertain significance for Inborn genetic diseases. Last evaluated: 2025-06-25. Review status: criteria provided, single submitter. Criteria: Ambry Variant Classification Scheme 2023. Collection method: clinical testing. Allele origin: germline.

Labcorp Genetics (formerly Invitae), Labcorp
Classification: Uncertain significance for Fanconi anemia complementation group Q; Xeroderma pigmentosum, group F; Cockayne syndrome. Last evaluated: 2024-03-07. Review status: criteria provided, single submitter. Criteria: Invitae Variant Classification Sherloc (09022015). Collection method: clinical testing. Allele origin: germline.
Comment: This sequence change replaces threonine, which is neutral and polar, with asparagine, which is neutral and polar, at codon 667 of the ERCC4 protein (p.Thr667Asn). This variant is present in population databases (rs200317919, gnomAD 0.01%). This variant has not been reported in the literature in individuals affected with ERCC4-related conditions. ClinVar contains an entry for this variant (Variation ID: 2053067). Advanced modeling of protein sequence and biophysical properties (such as structural, functional, and spatial information, amino acid conservation, physicochemical variation, residue mobility, and thermodynamic stability) performed at Invitae indicates that this missense variant is not expected to disrupt ERCC4 protein function with a negative predictive value of 80%. In summary, the available evidence is currently insufficient to determine the role of this variant in disease. Therefore, it has been classified as a Variant of Uncertain Significance.

NM_005236.3(ERCC4):c.2000C>A (p.Thr667Asn)

Gene: ERCC4 (ERCC excision repair 4, endonuclease catalytic subunit; plus strand). Cytogenetic location: 16p13.12.
Variant type: single nucleotide variant.
Coding change: c.2000C>A on transcript NM_005236.3 (MANE Select); coding-DNA position 2000, C replaced by A.
Protein change: p.Thr667Asn; replaces threonine 667 with asparagine.
Molecular consequence: missense variant.
Genome position (GRCh38, 1-based): chr16:13,944,818, C>A. VCF-style: chr16-13944818-C-A. GRCh37 (hg19) VCF-style: chr16-14038675-C-A.
Other names: short protein forms T667N.
Identifiers: ClinVar variation 2053067 (VCV002053067.7), dbSNP rs200317919, ClinGen allele CA7910630.